The following is an entry in ClinVar:

ClinVar aggregate classification (germline): Uncertain significance. Review status: criteria provided, multiple submitters, no conflicts (2 of 4 stars). 2 submissions from 2 submitters: Uncertain significance (2). Last evaluated 2022-05-18.

Conditions:
Epidermolysis bullosa simplex 5B, with muscular dystrophy (EBS5B). Also called: EPIDERMOLYSIS BULLOSA SIMPLEX AND LIMB-GIRDLE MUSCULAR DYSTROPHY; Epidermolysis bullosa simplex with muscular dystrophy. Identifiers: Orphanet 257, MedGen C2931072, MONDO:0009181, OMIM 226670.
Epidermolysis bullosa simplex 5C, with pyloric atresia (EBS5C). Also called: Epidermolysis bullosa simplex with pyloric atresia; PLEC-Related Epidermolysis Bullosa with Pyloric Atresia; PLEC1-Related Epidermolysis Bullosa with Pyloric Atresia. Identifiers: Orphanet 158684, MedGen C2677349, MONDO:0012807, OMIM 612138.
Epidermolysis bullosa simplex with nail dystrophy (EBS5D). Identifiers: MedGen C4225309, MONDO:0014661, OMIM 616487.
Autosomal recessive limb-girdle muscular dystrophy type 2Q (LGMDR17). Also called: MUSCULAR DYSTROPHY, LIMB-GIRDLE, AUTOSOMAL RECESSIVE 17. Identifiers: Orphanet 254361, MedGen C3150989, MONDO:0013390, OMIM 613723.
Epidermolysis bullosa simplex, Ogna type (EBS5A). Also called: Pidermolysis bullosa simplex 5A, Ogna type; EPIDERMOLYSIS BULLOSA SIMPLEX 5A, OGNA TYPE. Identifiers: Orphanet 79401, MedGen C0432317, MONDO:0007555, OMIM 131950.

Allele frequency attached by ClinVar (database versions not stated): gnomAD exomes below 0.00001; TOPMed below 0.00001; ExAC 0.00001; gnomAD 0.00001.
gnomAD v4.1: 5 of 1,610,518 alleles (0.00031%); highest among the groups gnomAD compares: Admixed American, 0.0017%; no homozygotes.

Submissions (2):

Labcorp Genetics (formerly Invitae), Labcorp
Classification: Uncertain significance for Autosomal recessive limb-girdle muscular dystrophy type 2Q; Epidermolysis bullosa simplex, Ogna type; Epidermolysis bullosa simplex with nail dystrophy; Epidermolysis bullosa simplex 5C, with pyloric atresia; Epidermolysis bullosa simplex 5B, with muscular dystrophy. Last evaluated: 2022-05-18. Review status: criteria provided, single submitter. Criteria: Invitae Variant Classification Sherloc (09022015). Collection method: clinical testing. Allele origin: germline.
Comment: This variant is present in population databases (rs781891077, gnomAD 0.004%). This variant has not been reported in the literature in individuals affected with PLEC-related conditions. Algorithms developed to predict the effect of missense changes on protein structure and function are either unavailable or do not agree on the potential impact of this missense change (SIFT: "Deleterious"; PolyPhen-2: "Possibly Damaging"; Align-GVGD: "Class C0"). In summary, the available evidence is currently insufficient to determine the role of this variant in disease. Therefore, it has been classified as a Variant of Uncertain Significance. This sequence change replaces histidine, which is basic and polar, with arginine, which is basic and polar, at codon 2197 of the PLEC protein (p.His2197Arg).

Revvity Omics, Revvity
Classification: Uncertain significance. Last evaluated: 2020-01-03. Review status: criteria provided, single submitter. Criteria: ACMG Guidelines, 2015. Collection method: clinical testing. Allele origin: germline.

NM_201384.3(PLEC):c.6509A>G (p.His2170Arg)

Gene: PLEC (plectin; minus strand). Cytogenetic location: 8q24.3.
Variant type: single nucleotide variant.
Coding change: c.6509A>G on transcript NM_201384.3 (MANE Select); coding-DNA position 6509, A replaced by G.
Protein change: p.His2170Arg; replaces histidine 2170 with arginine.
Molecular consequence: missense variant.
Genome position (GRCh38, 1-based): chr8:143,923,420, T>C on the plus strand (A>G on the coding strand, the complement: PLEC is on the minus strand). VCF-style: chr8-143923420-T-C. GRCh37 (hg19) VCF-style: chr8-144997588-T-C.
Other names: c.6467A>G, p.His2156Arg (NM_201378.4); c.6443A>G, p.His2148Arg (NM_201379.3); c.6920A>G, p.His2307Arg (NM_201380.4); c.6590A>G, p.His2197Arg (NM_000445.5); c.6413A>G, p.His2138Arg (NM_201381.3); c.6509A>G, p.His2170Arg (NM_201382.4); c.6521A>G, p.His2174Arg (NM_201383.3); c.6590A>G (NM_000445.3); short protein forms H2148R, H2156R, H2170R, H2197R, H2138R, H2174R, H2307R.
Identifiers: ClinVar variation 2063331 (VCV002063331.7), dbSNP rs781891077, ClinGen allele CA4925963.